The following is an entry in ClinVar:

ClinVar aggregate classification (germline): Uncertain significance (1 of 4 stars; one submission).

Conditions:
Cardiovascular phenotype. Identifiers: MedGen CN230736.

Allele frequency attached by ClinVar (database versions not stated): TOPMed 0.00001.
gnomAD v4.1: 7 of 1,612,958 alleles (0.00043%); highest among the groups gnomAD compares: South Asian, 0.0022%; no homozygotes.

Submission:

Ambry Genetics
Classification: Uncertain significance for Cardiovascular phenotype. Last evaluated: 2023-07-10. Review status: criteria provided, single submitter. Criteria: Ambry Variant Classification Scheme 2023. Collection method: clinical testing. Allele origin: germline.
Comment: The p.I402V variant (also known as c.1204A>G), located in coding exon 8 of the LMF1 gene, results from an A to G substitution at nucleotide position 1204. The isoleucine at codon 402 is replaced by valine, an amino acid with highly similar properties. This amino acid position is conserved. In addition, this alteration is predicted to be tolerated by in silico analysis. Since supporting evidence is limited at this time, the clinical significance of this alteration remains unclear.

NM_022773.4(LMF1):c.1204A>G (p.Ile402Val)

Gene: LMF1 (lipase maturation factor 1; minus strand). Cytogenetic location: 16p13.3.
Variant type: single nucleotide variant.
Coding change: c.1204A>G on transcript NM_022773.4 (MANE Select); coding-DNA position 1204, A replaced by G.
Protein change: p.Ile402Val; replaces isoleucine 402 with valine.
Molecular consequence: missense variant. On other transcripts: non-coding transcript variant (1).
Genome position (GRCh38, 1-based): chr16:870,757, T>C on the plus strand (A>G on the coding strand, the complement: LMF1 is on the minus strand). VCF-style: chr16-870757-T-C. GRCh37 (hg19) VCF-style: chr16-920757-T-C.
Other names: c.553A>G, p.Ile185Val (NM_001352017.2, NM_001352021.2); c.805A>G, p.Ile269Val (NM_001352018.2); c.877A>G, p.Ile293Val (NM_001352019.2); c.1204A>G, p.Ile402Val (NM_001352020.1); short protein forms I293V, I185V, I402V, I269V.
Identifiers: ClinVar variation 2586481 (VCV002586481.2), dbSNP rs755943591, ClinGen allele CA7797144.
Genomic context (GRCh38, chr16:870,757, plus strand): 5'-AGCTCCGGGGGACGGGGACCCCAGGCTCATACCTTCCGAAGGCCCCGTAAGTGTTGACGA[T>C]GTGAAGAGAGTTGAAGTGGGTGTTCATGACCTGCCTGGAGCTCAGCAAGTTGAGGACCAC-3'
Protein context (NP_073610.2, residues 392-412): VMNTHFNSLH[Ile402Val]VNTYGAFGSI